The following is an entry in ClinVar:

ClinVar aggregate classification (germline): Uncertain significance (1 of 4 stars; one submission).

gnomAD v4.1: 1 of 1,550,316 alleles (0.000065%); highest among the groups gnomAD compares: Non-Finnish European, 0.000087%; no homozygotes.

Submission:

Labcorp Genetics (formerly Invitae), Labcorp
Classification: Uncertain significance. Last evaluated: 2024-12-10. Review status: criteria provided, single submitter. Criteria: Invitae Variant Classification Sherloc (09022015). Collection method: clinical testing. Allele origin: germline.
Comment: This sequence change affects a donor splice site in intron 14 of the COL9A3 gene. Variants that disrupt the donor or acceptor splice site typically lead to a loss of protein function (PMID: 16199547), however it is unknown whether splice variants in this region will result in a loss of function. This variant is not present in population databases (gnomAD no frequency). This variant has not been reported in the literature in individuals affected with COL9A3-related conditions. ClinVar contains an entry for this variant (Variation ID: 2060394). Algorithms developed to predict the effect of sequence changes on RNA splicing suggest that this variant may disrupt the consensus splice site. In summary, the available evidence is currently insufficient to determine the role of this variant in disease. Therefore, it has been classified as a Variant of Uncertain Significance.

Literature cited by the submitters: PubMed 16199547.

NM_001853.4(COL9A3):c.738+1G>T

Gene: COL9A3 (collagen type IX alpha 3 chain; plus strand). Cytogenetic location: 20q13.33.
Variant type: single nucleotide variant.
Coding change: c.738+1G>T on transcript NM_001853.4 (MANE Select); the canonical splice donor site of the intron after coding-DNA position 738, G replaced by T.
Molecular consequence: splice donor variant.
Genome position (GRCh38, 1-based): chr20:62,826,258, G>T. VCF-style: chr20-62826258-G-T. GRCh37 (hg19) VCF-style: chr20-61457610-G-T.
Identifiers: ClinVar variation 2060394 (VCV002060394.4), dbSNP rs2516045828, ClinGen allele CA409592086.